The following is an entry in ClinVar:

ClinVar aggregate classification (germline): Uncertain significance. Review status: criteria provided, multiple submitters, no conflicts (2 of 4 stars). 2 submissions from 2 submitters: Uncertain significance (2). Last evaluated 2024-05-20.

Conditions:
Familial cold autoinflammatory syndrome 3 (FCAS3). Also called: ANTIBODY DEFICIENCY AND IMMUNE DYSREGULATION, PLCG2-ASSOCIATED; FAMILIAL ATYPICAL COLD URTICARIA. Identifiers: Orphanet 300359, MedGen C3280914, MONDO:0013766, OMIM 614468.
Autoinflammation-PLCG2-associated antibody deficiency-immune dysregulation. Also called: Autoinflammation, antibody deficiency, and immune dysregulation, plcg2-associated; Autoinflammation, antibody deficiency, and immune dysregulation syndrome; AUTOINFLAMMATION, ANTIBODY DEFICIENCY, AND IMMUNE DYSREGULATION. Identifiers: Orphanet 324530, MedGen C3553961, MONDO:0013944, OMIM 614878.

Allele frequency attached by ClinVar (database versions not stated): ExAC 0.00001; gnomAD 0.00001; gnomAD exomes below 0.00001.
gnomAD v4.1: 3 of 1,612,758 alleles (0.00019%); highest among the groups gnomAD compares: South Asian, 0.0022%; no homozygotes.

Submissions (2):

Labcorp Genetics (formerly Invitae), Labcorp
Classification: Uncertain significance for Familial cold autoinflammatory syndrome 3. Last evaluated: 2024-05-20. Review status: criteria provided, single submitter. Criteria: Invitae Variant Classification Sherloc (09022015). Collection method: clinical testing. Allele origin: germline.
Comment: This sequence change replaces leucine, which is neutral and non-polar, with phenylalanine, which is neutral and non-polar, at codon 183 of the PLCG2 protein (p.Leu183Phe). This variant is present in population databases (rs772451566, gnomAD 0.003%). This variant has not been reported in the literature in individuals affected with PLCG2-related conditions. ClinVar contains an entry for this variant (Variation ID: 540096). An algorithm developed to predict the effect of missense changes on protein structure and function (PolyPhen-2) suggests that this variant is likely to be tolerated. In summary, the available evidence is currently insufficient to determine the role of this variant in disease. Therefore, it has been classified as a Variant of Uncertain Significance.

Fulgent Genetics
Classification: Uncertain significance for Familial cold autoinflammatory syndrome 3; Autoinflammation-PLCG2-associated antibody deficiency-immune dysregulation. Last evaluated: 2021-12-21. Review status: criteria provided, single submitter. Criteria: ACMG Guidelines, 2015. Collection method: clinical testing. Allele origin: unknown.

NM_002661.5(PLCG2):c.547C>T (p.Leu183Phe)

Gene: PLCG2 (phospholipase C gamma 2; plus strand). Cytogenetic location: 16q23.3.
Variant type: single nucleotide variant.
Coding change: c.547C>T on transcript NM_002661.5 (MANE Select); coding-DNA position 547, C replaced by T.
Protein change: p.Leu183Phe; replaces leucine 183 with phenylalanine.
Molecular consequence: missense variant.
Genome position (GRCh38, 1-based): chr16:81,869,281, C>T. VCF-style: chr16-81869281-C-T. GRCh37 (hg19) VCF-style: chr16-81902886-C-T.
Other names: short protein forms L183F.
Identifiers: ClinVar variation 540096 (VCV000540096.10), dbSNP rs772451566, ClinGen allele CA8193262.
Genomic context (GRCh38, chr16:81,869,281, plus strand): 5'-CTCCGAGAGTTGAAGACCATCTTGCCCCTGATCAACTTTAAAGTGAGCAGTGCCAAGTTC[C>T]TTAAAGATAAGTTTGTGGTAAGTTTCATGGCTCAGCCTGGGAATTTTATGAATGCGGAGT-3'
Protein context (NP_002652.2, residues 173-193): INFKVSSAKF[Leu183Phe]KDKFVEIGAH